The following is an entry in ClinVar:

NM_017934.7(PHIP):c.4096G>A (p.Val1366Ile)

Genes: IRAK1BP1 (interleukin 1 receptor associated kinase 1 binding protein 1; plus strand), PHIP (PHIP subunit of CUL4-Ring ligase complex; minus strand). Cytogenetic location: 6q14.1.
Variant type: single nucleotide variant.
Coding change: c.4096G>A on transcript NM_017934.7 (MANE Select); coding-DNA position 4096, G replaced by A.
Protein change: p.Val1366Ile; replaces valine 1366 with isoleucine.
Molecular consequence: missense variant.
Genome position (GRCh38, 1-based): chr6:78,947,733, C>T on the plus strand (G>A on the coding strand, the complement: PHIP is on the minus strand). VCF-style: chr6-78947733-C-T. GRCh37 (hg19) VCF-style: chr6-79657450-C-T.
Other names: c.4096G>A (NM_017934.6); short protein forms V1366I.
Identifiers: ClinVar variation 2212699 (VCV002212699.6), dbSNP rs202187736, ClinGen allele CA141845456.

ClinVar aggregate classification (germline): Conflicting classifications of pathogenicity. Review status: criteria provided, conflicting classifications (1 of 4 stars). 3 submissions from 3 submitters: Uncertain significance (1); Benign (1). 1 of the submissions does not count toward it. Last evaluated 2023-08-24.

Conditions:
PHIP-related disorder. Also called: PHIP-related condition; PHIP-related disorders.
Inborn genetic diseases. Identifiers: MedGen C0950123, MeSH D030342.

Allele frequency attached by ClinVar (database versions not stated): gnomAD 0.00001; TOPMed 0.00001; gnomAD exomes 0.00004.
gnomAD v4.1: 52 of 1,606,400 alleles (0.0032%); highest among the groups gnomAD compares: Middle Eastern, 0.033%; no homozygotes.

Submissions (3):

Labcorp Genetics (formerly Invitae), Labcorp
Classification: Benign. Last evaluated: 2023-08-24. Review status: criteria provided, single submitter. Criteria: Invitae Variant Classification Sherloc (09022015). Collection method: clinical testing. Allele origin: germline.

Ambry Genetics
Classification: Uncertain significance for Inborn genetic diseases. Last evaluated: 2022-08-18. Review status: criteria provided, single submitter. Criteria: Ambry Variant Classification Scheme 2023. Collection method: clinical testing. Allele origin: germline.

PreventionGenetics, part of Exact Sciences
Classification: Uncertain significance for PHIP-related condition. Last evaluated: 2024-05-10. Review status: no assertion criteria provided. Collection method: clinical testing. Allele origin: germline. Not counted in ClinVar's aggregate classification.
Comment: The PHIP c.4096G>A variant is predicted to result in the amino acid substitution p.Val1366Ile. To our knowledge, this variant has not been reported in the literature. This variant is reported in 0.0050% of alleles in individuals of East Asian descent in gnomAD. At this time, the clinical significance of this variant is uncertain due to the absence of conclusive functional and genetic evidence.